The following is an entry in ClinVar:

ClinVar aggregate classification (germline): Uncertain significance (1 of 4 stars; one submission).

gnomAD v4.1: 30 of 1,614,010 alleles (0.0019%); highest among the groups gnomAD compares: East Asian, 0.011%; no homozygotes.

Submission:

Labcorp Genetics (formerly Invitae), Labcorp
Classification: Uncertain significance. Last evaluated: 2023-04-23. Review status: criteria provided, single submitter. Criteria: Invitae Variant Classification Sherloc (09022015). Collection method: clinical testing. Allele origin: germline.
Comment: This missense change has been observed in individual(s) with retinitis pigmentosa (PMID: 24938718). This variant is present in population databases (rs763374789, gnomAD 0.03%). This sequence change replaces isoleucine, which is neutral and non-polar, with valine, which is neutral and non-polar, at codon 897 of the ADGRA3 protein (p.Ile897Val). An algorithm developed to predict the effect of missense changes on protein structure and function (PolyPhen-2) suggests that this variant is likely to be tolerated. ClinVar contains an entry for this variant (Variation ID: 2203540). In summary, the available evidence is currently insufficient to determine the role of this variant in disease. Therefore, it has been classified as a Variant of Uncertain Significance.

Literature cited by the submitters: PubMed 24938718.

NM_145290.4(ADGRA3):c.2689A>G (p.Ile897Val)

Gene: ADGRA3 (adhesion G protein-coupled receptor A3; minus strand). Cytogenetic location: 4p15.2.
Variant type: single nucleotide variant.
Coding change: c.2689A>G on transcript NM_145290.4 (MANE Select); coding-DNA position 2689, A replaced by G.
Protein change: p.Ile897Val; replaces isoleucine 897 with valine.
Molecular consequence: missense variant.
Genome position (GRCh38, 1-based): chr4:22,389,122, T>C on the plus strand (A>G on the coding strand, the complement: ADGRA3 is on the minus strand). VCF-style: chr4-22389122-T-C. GRCh37 (hg19) VCF-style: chr4-22390745-T-C.
Other names: short protein forms I897V.
Identifiers: ClinVar variation 2203540 (VCV002203540.4), dbSNP rs763374789, ClinGen allele CA2873557.